The following is an entry in ClinVar:

ClinVar aggregate classification (germline): Pathogenic (1 of 4 stars; one submission).

Conditions:
Neurofibromatosis, type 2 (SWNV). Also called: BILATERAL ACOUSTIC NEUROFIBROMATOSIS; NF2-Related Schwannomatosis; SCHWANNOMATOSIS, VESTIBULAR. Identifiers: Orphanet 637, MedGen C0027832, MONDO:0007039, OMIM 101000. Disease mechanism: loss of function.

Submission:

Labcorp Genetics (formerly Invitae), Labcorp
Classification: Pathogenic for Neurofibromatosis, type 2. Last evaluated: 2025-09-21. Review status: criteria provided, single submitter. Criteria: Invitae Variant Classification Sherloc (09022015). Collection method: clinical testing. Allele origin: germline.
Comment: This sequence change creates a premature translational stop signal (p.Arg353Metfs*15) in the NF2 gene. It is expected to result in an absent or disrupted protein product. Loss-of-function variants in NF2 are known to be pathogenic (PMID: 9643284, 16983642). This variant is not present in population databases (gnomAD no frequency). This variant has not been reported in the literature in individuals affected with NF2-related conditions. For these reasons, this variant has been classified as Pathogenic.

Literature cited by the submitters: PubMed 9643284; PubMed 16983642.

NM_000268.4(NF2):c.1047_1057dup (p.Arg353fs)

Gene: NF2 (NF2, moesin-ezrin-radixin like (MERLIN) tumor suppressor; plus strand). Cytogenetic location: 22q12.2.
Variant type: Duplication.
Coding change: c.1047_1057dup on transcript NM_000268.4 (MANE Select); coding-DNA positions 1047 to 1057, 11 bases duplicated (TGAACGCACGA).
Protein change: p.Arg353fs; shifts the reading frame from arginine 353.
Molecular consequence: frameshift variant. On other transcripts: intron variant (1).
Genome position (GRCh38, 1-based): chr22:29,671,873-29,671,883, TGAACGCACGA duplicated. VCF-style (leftmost placement, unchanged base first): chr22-29671872-C-CTGAACGCACGA. GRCh37 (hg19) VCF-style: chr22-30067861-C-CTGAACGCACGA.
Other names: c.924_934dup, p.Arg312fs (NM_001407058.1, NM_001407054.1, NM_181829.3); c.912_922dup, p.Arg308fs (NM_001407059.1, NM_001407057.1); c.1047_1057dup, p.Arg353fs (NM_001407060.1, NM_001407066.1, NM_016418.5 and 2 more transcripts); c.789_799dup, p.Arg267fs (NM_001407062.1); c.798_808dup, p.Arg270fs (NM_001407063.1, NM_001407064.1, NM_181830.3 and 1 more transcripts); c.513_523dup, p.Arg175fs (NM_001407065.1); c.816_826dup, p.Arg276fs (NM_001407067.1); c.933_943dup, p.Arg315fs (NM_001407053.1, NM_001407056.1); and 2 more; short protein forms R267fs, R175fs, R311fs, R312fs, R315fs, R270fs, R276fs, R308fs.
Identifiers: ClinVar variation 4727559 (VCV004727559.1).